The following is an entry in ClinVar:

NM_001134407.3(GRIN2A):c.358A>G (p.Thr120Ala)

Gene: GRIN2A (glutamate ionotropic receptor NMDA type subunit 2A; minus strand). Cytogenetic location: 16p13.2.
Variant type: single nucleotide variant.
Coding change: c.358A>G on transcript NM_001134407.3 (MANE Select); coding-DNA position 358, A replaced by G.
Protein change: p.Thr120Ala; replaces threonine 120 with alanine.
Molecular consequence: missense variant.
Genome position (GRCh38, 1-based): chr16:10,180,054, T>C on the plus strand (A>G on the coding strand, the complement: GRIN2A is on the minus strand). VCF-style: chr16-10180054-T-C. GRCh37 (hg19) VCF-style: chr16-10273911-T-C.
Other names: c.358A>G, p.Thr120Ala (NM_000833.5, NM_001134408.2); short protein forms T120A.
Identifiers: ClinVar variation 961366 (VCV000961366.10), dbSNP rs2050229149, ClinGen allele CA394715186.

ClinVar aggregate classification (germline): Uncertain significance (1 of 4 stars; one submission).

Conditions:
Landau-Kleffner syndrome (FESD). Also called: EPILEPSY, FOCAL, WITH SPEECH DISORDER AND WITH OR WITHOUT MENTAL RETARDATION; APHASIA, ACQUIRED, WITH EPILEPSY. Identifiers: Orphanet 1945, Orphanet 725, Orphanet 98818, MedGen C0282512, MONDO:0009509, OMIM 245570.

Submission:

Labcorp Genetics (formerly Invitae), Labcorp
Classification: Uncertain significance for Landau-Kleffner syndrome. Last evaluated: 2022-10-27. Review status: criteria provided, single submitter. Criteria: Invitae Variant Classification Sherloc (09022015). Collection method: clinical testing. Allele origin: germline.
Comment: ClinVar contains an entry for this variant (Variation ID: 961366). This sequence change replaces threonine, which is neutral and polar, with alanine, which is neutral and non-polar, at codon 120 of the GRIN2A protein (p.Thr120Ala). This variant is not present in population databases (gnomAD no frequency). This variant has not been reported in the literature in individuals affected with GRIN2A-related conditions. Advanced modeling of protein sequence and biophysical properties (such as structural, functional, and spatial information, amino acid conservation, physicochemical variation, residue mobility, and thermodynamic stability) performed at Invitae indicates that this missense variant is expected to disrupt GRIN2A protein function. In summary, the available evidence is currently insufficient to determine the role of this variant in disease. Therefore, it has been classified as a Variant of Uncertain Significance.